The following is an entry in ClinVar:

NM_001201543.2(FAM161A):c.1937_1940delinsACT (p.Gly646fs)

Gene: FAM161A (FAM161 centrosomal protein A; minus strand). Cytogenetic location: 2p15.
Variant type: Indel.
Coding change: c.1937_1940delinsACT on transcript NM_001201543.2 (MANE Select); coding-DNA positions 1937 to 1940, GCCA replaced by ACT.
Protein change: p.Gly646fs; shifts the reading frame from glycine 646.
Molecular consequence: frameshift variant. On other transcripts: non-coding transcript variant (1).
Genome position (GRCh38, 1-based): chr2:61,827,170-61,827,173, TGGC replaced by AGT on the plus strand (GCCA replaced by ACT on the coding strand, the reverse complement: FAM161A is on the minus strand). VCF-style: chr2-61827170-TGGC-AGT. GRCh37 (hg19) VCF-style: chr2-62054305-TGGC-AGT.
Other names: c.1769_1772delinsACT, p.Gly590fs (NM_032180.3); short protein forms G646fs, G590fs.
Identifiers: ClinVar variation 2871925 (VCV002871925.3), dbSNP rs2465984640, ClinGen allele CA2739274462.
Genomic context (GRCh38, chr2:61,827,170, plus strand): 5'-TTGTCTTCAGTGACACTTTTCGTCTCTTGATTGTTGAAGTACTCAAGTACTTTTCCACTT[TGGC>AGT]CTTTCTTTGAAACAAACTCATCAGATATTCCTAGTGCTTTTAGGGTATTAGAATAATGCT-3'

ClinVar aggregate classification (germline): Pathogenic (1 of 4 stars; one submission).

Submission:

Labcorp Genetics (formerly Invitae), Labcorp
Classification: Pathogenic. Last evaluated: 2021-08-23. Review status: criteria provided, single submitter. Criteria: Invitae Variant Classification Sherloc (09022015). Collection method: clinical testing. Allele origin: germline.
Comment: This sequence change creates a premature translational stop signal (p.Gly646Aspfs*2) in the FAM161A gene. It is expected to result in an absent or disrupted protein product. Loss-of-function variants in FAM161A are known to be pathogenic (PMID: 20705278, 20705279, 24651477). This variant is not present in population databases (ExAC no frequency). This variant has not been reported in the literature in individuals affected with FAM161A-related conditions. For these reasons, this variant has been classified as Pathogenic.

Literature cited by the submitters: PubMed 20705278; PubMed 20705279; PubMed 24651477.